The following is an entry in ClinVar:

ClinVar aggregate classification (germline): Pathogenic (1 of 4 stars; one submission).

Conditions:
Familial focal epilepsy with variable foci (FPEVF). Identifiers: Orphanet 98820, MedGen C1858477, MONDO:0020310.

Submission:

Labcorp Genetics (formerly Invitae), Labcorp
Classification: Pathogenic for Familial focal epilepsy with variable foci. Last evaluated: 2022-06-28. Review status: criteria provided, single submitter. Criteria: Invitae Variant Classification Sherloc (09022015). Collection method: clinical testing. Allele origin: germline.
Comment: This variant is not present in population databases (gnomAD no frequency). This sequence change creates a premature translational stop signal (p.Asp113Valfs*5) in the DEPDC5 gene. It is expected to result in an absent or disrupted protein product. Loss-of-function variants in DEPDC5 are known to be pathogenic (PMID: 23542697, 23542701). This variant has not been reported in the literature in individuals affected with DEPDC5-related conditions. For these reasons, this variant has been classified as Pathogenic.

Literature cited by the submitters: PubMed 23542697; PubMed 23542701.

NM_001242896.3(DEPDC5):c.338del (p.Asp113fs)

Gene: DEPDC5 (DEP domain containing 5, GATOR1 subcomplex subunit; plus strand). Cytogenetic location: 22q12.2.
Variant type: Deletion.
Coding change: c.338del on transcript NM_001242896.3 (MANE Select); coding-DNA position 338, one base deleted (A; older notation c.338delA).
Protein change: p.Asp113fs; shifts the reading frame from aspartic acid 113.
Molecular consequence: frameshift variant. On other transcripts: non-coding transcript variant (5), intron variant (2).
Genome position (GRCh38, 1-based): chr22:31,766,643, A deleted. VCF-style (leftmost placement, unchanged base first): chr22-31766642-GA-G. GRCh37 (hg19) VCF-style: chr22-32162628-GA-G.
Other names: c.338del, p.Asp113fs (NM_001007188.4, NM_001136029.4, NM_001242897.2 and 7 more transcripts); c.279+1583del (NM_001369902.1, NM_001369901.1); short protein forms D113fs.
Identifiers: ClinVar variation 2011937 (VCV002011937.4), dbSNP rs2517947003, ClinGen allele CA2580099621.